The following is an entry in ClinVar:

ClinVar aggregate classification (germline): Uncertain significance. Review status: criteria provided, multiple submitters, no conflicts (2 of 4 stars). 3 submissions from 3 submitters: Uncertain significance (3). Last evaluated 2026-05-27.

Conditions:
CEP164-related disorder. Also called: CEP164-related condition.
Inborn genetic diseases. Identifiers: MedGen C0950123, MeSH D030342.
Nephronophthisis 15 (NPHP15). Identifiers: Orphanet 3156, MedGen C3541853, MONDO:0013917, OMIM 614845.

Allele frequency attached by ClinVar (database versions not stated): TOPMed 0.00004; ESP Exome Variant Server 0.00015; ExAC 0.00004; gnomAD 0.00004.
gnomAD v4.1: 67 of 1,613,492 alleles (0.0042%); highest among the groups gnomAD compares: East Asian, 0.0089%; no homozygotes.

Submissions (3):

PreventionGenetics, part of Exact Sciences
Classification: Uncertain significance for CEP164-related condition. Last evaluated: 2026-05-27. Review status: criteria provided, single submitter. Criteria: ACMG Guidelines, 2015. Collection method: clinical testing. Allele origin: germline.
Comment: The CEP164 c.3911G>A variant is predicted to result in the amino acid substitution p.Arg1304Gln. To our knowledge, this variant has not been reported in individuals with CEP164-related disorders in the literature. This variant is reported in 0.010% of alleles in individuals of East Asian descent in gnomAD. At this time, the clinical significance of this variant is uncertain due to the absence of conclusive functional and genetic evidence.

Labcorp Genetics (formerly Invitae), Labcorp
Classification: Uncertain significance for Nephronophthisis 15. Last evaluated: 2024-05-20. Review status: criteria provided, single submitter. Criteria: Invitae Variant Classification Sherloc (09022015). Collection method: clinical testing. Allele origin: germline.
Comment: This sequence change replaces arginine, which is basic and polar, with glutamine, which is neutral and polar, at codon 1304 of the CEP164 protein (p.Arg1304Gln). This variant is present in population databases (rs149668786, gnomAD 0.01%). This variant has not been reported in the literature in individuals affected with CEP164-related conditions. ClinVar contains an entry for this variant (Variation ID: 1973297). Advanced modeling of protein sequence and biophysical properties (such as structural, functional, and spatial information, amino acid conservation, physicochemical variation, residue mobility, and thermodynamic stability) performed at Invitae indicates that this missense variant is not expected to disrupt CEP164 protein function with a negative predictive value of 80%. In summary, the available evidence is currently insufficient to determine the role of this variant in disease. Therefore, it has been classified as a Variant of Uncertain Significance.

Ambry Genetics
Classification: Uncertain significance for Inborn genetic diseases. Last evaluated: 2021-11-08. Review status: criteria provided, single submitter. Criteria: Ambry Variant Classification Scheme 2023. Collection method: clinical testing. Allele origin: germline.

NM_014956.5(CEP164):c.3911G>A (p.Arg1304Gln)

Gene: CEP164 (centrosomal protein 164; plus strand). Cytogenetic location: 11q23.3.
Variant type: single nucleotide variant.
Coding change: c.3911G>A on transcript NM_014956.5 (MANE Select); coding-DNA position 3911, G replaced by A.
Protein change: p.Arg1304Gln; replaces arginine 1304 with glutamine.
Molecular consequence: missense variant.
Genome position (GRCh38, 1-based): chr11:117,409,780, G>A. VCF-style: chr11-117409780-G-A. GRCh37 (hg19) VCF-style: chr11-117280496-G-A.
Other names: c.3896G>A, p.Arg1299Gln (NM_001271933.2); c.3911G>A (NM_014956.4); short protein forms R1304Q, R1299Q.
Identifiers: ClinVar variation 1973297 (VCV001973297.5), dbSNP rs149668786, ClinGen allele CA6295615.